The following is an entry in ClinVar:

ClinVar aggregate classification (germline): Uncertain significance. Review status: criteria provided, multiple submitters, no conflicts (2 of 4 stars). 3 submissions from 3 submitters: Uncertain significance (3). Last evaluated 2025-06-04.

Conditions:
Inborn genetic diseases. Identifiers: MedGen C0950123, MeSH D030342.
Autosomal recessive limb-girdle muscular dystrophy type 2Q (LGMDR17). Also called: MUSCULAR DYSTROPHY, LIMB-GIRDLE, AUTOSOMAL RECESSIVE 17. Identifiers: Orphanet 254361, MedGen C3150989, MONDO:0013390, OMIM 613723.
Epidermolysis bullosa simplex 5B, with muscular dystrophy (EBS5B). Also called: EPIDERMOLYSIS BULLOSA SIMPLEX AND LIMB-GIRDLE MUSCULAR DYSTROPHY; Epidermolysis bullosa simplex with muscular dystrophy. Identifiers: Orphanet 257, MedGen C2931072, MONDO:0009181, OMIM 226670.
Epidermolysis bullosa simplex, Ogna type (EBS5A). Also called: Pidermolysis bullosa simplex 5A, Ogna type; EPIDERMOLYSIS BULLOSA SIMPLEX 5A, OGNA TYPE. Identifiers: Orphanet 79401, MedGen C0432317, MONDO:0007555, OMIM 131950.
Epidermolysis bullosa simplex 5C, with pyloric atresia (EBS5C). Also called: PLEC-Related Epidermolysis Bullosa with Pyloric Atresia; Epidermolysis bullosa simplex with pyloric atresia; PLEC1-Related Epidermolysis Bullosa with Pyloric Atresia. Identifiers: Orphanet 158684, MedGen C2677349, MONDO:0012807, OMIM 612138.
Epidermolysis bullosa simplex with nail dystrophy (EBS5D). Identifiers: MedGen C4225309, MONDO:0014661, OMIM 616487.

Allele frequency attached by ClinVar (database versions not stated): gnomAD exomes 0.00002 and 0.00006; gnomAD 0.00004; ExAC 0.00007; TOPMed 0.00008.
gnomAD v4.1: 40 of 1,590,196 alleles (0.0025%); highest among the groups gnomAD compares: East Asian, 0.034%; no homozygotes.

Submissions (3):

Labcorp Genetics (formerly Invitae), Labcorp
Classification: Uncertain significance for Autosomal recessive limb-girdle muscular dystrophy type 2Q; Epidermolysis bullosa simplex, Ogna type; Epidermolysis bullosa simplex with nail dystrophy; Epidermolysis bullosa simplex 5C, with pyloric atresia; Epidermolysis bullosa simplex 5B, with muscular dystrophy. Last evaluated: 2025-06-04. Review status: criteria provided, single submitter. Criteria: Invitae Variant Classification Sherloc (09022015). Collection method: clinical testing. Allele origin: germline.
Comment: This sequence change replaces valine, which is neutral and non-polar, with methionine, which is neutral and non-polar, at codon 1224 of the PLEC protein (p.Val1224Met). This variant is present in population databases (rs3134600, gnomAD 0.05%). This variant has not been reported in the literature in individuals affected with PLEC-related conditions. ClinVar contains an entry for this variant (Variation ID: 569357). Invitae Evidence Modeling of protein sequence and biophysical properties (such as structural, functional, and spatial information, amino acid conservation, physicochemical variation, residue mobility, and thermodynamic stability) indicates that this missense variant is not expected to disrupt PLEC protein function with a negative predictive value of 80%. In summary, the available evidence is currently insufficient to determine the role of this variant in disease. Therefore, it has been classified as a Variant of Uncertain Significance.

Ambry Genetics
Classification: Uncertain significance for Inborn genetic diseases. Last evaluated: 2024-12-24. Review status: criteria provided, single submitter. Criteria: Ambry Variant Classification Scheme 2023. Collection method: clinical testing. Allele origin: germline.

CeGaT Center for Human Genetics Tuebingen
Classification: Uncertain significance. Last evaluated: 2016-12-01. Review status: criteria provided, single submitter. Criteria: CeGaT Center For Human Genetics Tuebingen Variant Classification Criteria Version 2. Collection method: clinical testing. Allele origin: germline. Affected: yes. Observed: 1 variant allele.

NM_201384.3(PLEC):c.3589G>A (p.Val1197Met)

Gene: PLEC (plectin; minus strand). Cytogenetic location: 8q24.3.
Variant type: single nucleotide variant.
Coding change: c.3589G>A on transcript NM_201384.3 (MANE Select); coding-DNA position 3589, G replaced by A.
Protein change: p.Val1197Met; replaces valine 1197 with methionine.
Molecular consequence: missense variant.
Genome position (GRCh38, 1-based): chr8:143,927,577, C>T on the plus strand (G>A on the coding strand, the complement: PLEC is on the minus strand). VCF-style: chr8-143927577-C-T. GRCh37 (hg19) VCF-style: chr8-145001745-C-T.
Other names: c.3670G>A, p.Val1224Met (NM_000445.5); c.3547G>A, p.Val1183Met (NM_201378.4); c.3523G>A, p.Val1175Met (NM_201379.3); c.4000G>A, p.Val1334Met (NM_201380.4); c.3493G>A, p.Val1165Met (NM_201381.3); c.3589G>A, p.Val1197Met (NM_201382.4); c.3601G>A, p.Val1201Met (NM_201383.3); c.3670G>A (NM_000445.3); short protein forms V1175M, V1197M, V1334M, V1165M, V1224M, V1183M, V1201M.
Identifiers: ClinVar variation 569357 (VCV000569357.47), dbSNP rs3134600, ClinGen allele CA4927013.